The following is an entry in ClinVar:

ClinVar aggregate classification (germline): Uncertain significance (1 of 4 stars; one submission).

Allele frequency attached by ClinVar (database versions not stated): gnomAD 0.00002; TOPMed 0.00004.
gnomAD v4.1: 7 of 1,613,988 alleles (0.00043%); highest among the groups gnomAD compares: Admixed American, 0.005%; no homozygotes.

Submission:

Labcorp Genetics (formerly Invitae), Labcorp
Classification: Uncertain significance. Last evaluated: 2022-06-14. Review status: criteria provided, single submitter. Criteria: Invitae Variant Classification Sherloc (09022015). Collection method: clinical testing. Allele origin: germline.
Comment: This variant has not been reported in the literature in individuals affected with CETP-related conditions. In summary, the available evidence is currently insufficient to determine the role of this variant in disease. Therefore, it has been classified as a Variant of Uncertain Significance. Algorithms developed to predict the effect of sequence changes on RNA splicing suggest that this variant is not likely to affect RNA splicing. This variant is present in population databases (no rsID available, gnomAD 0.1%). This sequence change affects codon 176 of the CETP mRNA. It is a 'silent' change, meaning that it does not change the encoded amino acid sequence of the CETP protein. It affects a nucleotide within the consensus splice site.

NM_000078.3(CETP):c.528G>A (p.Glu176=)

Gene: CETP (cholesteryl ester transfer protein; plus strand). Cytogenetic location: 16q13.
Variant type: single nucleotide variant.
Coding change: c.528G>A on transcript NM_000078.3 (MANE Select); coding-DNA position 528, G replaced by A.
Protein change: p.Glu176=; no amino-acid change (glutamic acid 176 retained).
Molecular consequence: synonymous variant.
Genome position (GRCh38, 1-based): chr16:56,971,033, G>A. VCF-style: chr16-56971033-G-A. GRCh37 (hg19) VCF-style: chr16-57004945-G-A.
Other names: c.528G>A, p.Glu176= (NM_001286085.2).
Identifiers: ClinVar variation 2175132 (VCV002175132.4), dbSNP rs758533363, ClinGen allele CA495618808.